The following is an entry in ClinVar:

NM_020923.3(ZDBF2):c.2605G>C (p.Gly869Arg)

Gene: ZDBF2 (zinc finger DBF-type containing 2; plus strand). Cytogenetic location: 2q33.3.
Variant type: single nucleotide variant.
Coding change: c.2605G>C on transcript NM_020923.3 (MANE Select); coding-DNA position 2605, G replaced by C.
Protein change: p.Gly869Arg; replaces glycine 869 with arginine.
Molecular consequence: missense variant.
Genome position (GRCh38, 1-based): chr2:206,307,133, G>C. VCF-style: chr2-206307133-G-C. GRCh37 (hg19) VCF-style: chr2-207171857-G-C.
Other names: c.2599G>C, p.Gly867Arg (NM_001285549.2); c.2605G>C, p.Gly869Arg (NM_001369654.1); short protein forms G867R, G869R.
Identifiers: ClinVar variation 2225436 (VCV002225436.3), dbSNP rs762352411, ClinGen allele CA2072028.

ClinVar aggregate classification (germline): Uncertain significance. Review status: criteria provided, multiple submitters, no conflicts (2 of 4 stars). 2 submissions from 2 submitters: Uncertain significance (2). Last evaluated 2025-09-10.

Allele frequency attached by ClinVar (database versions not stated): ExAC 0.00001; gnomAD exomes 0.00002; TOPMed 0.00002.
gnomAD v4.1: 29 of 1,612,728 alleles (0.0018%); highest among the groups gnomAD compares: Admixed American, 0.005%; no homozygotes.

Submissions (2):

Labcorp Genetics (formerly Invitae), Labcorp
Classification: Uncertain significance. Last evaluated: 2025-09-10. Review status: criteria provided, single submitter. Criteria: Invitae Variant Classification Sherloc (09022015). Collection method: clinical testing. Allele origin: germline.
Comment: This sequence change replaces glycine, which is neutral and non-polar, with arginine, which is basic and polar, at codon 869 of the ZDBF2 protein (p.Gly869Arg). This variant is present in population databases (rs762352411, gnomAD 0.006%). This variant has not been reported in the literature in individuals affected with ZDBF2-related conditions. ClinVar contains an entry for this variant (Variation ID: 2225436). An algorithm developed to predict the effect of missense changes on protein structure and function (PolyPhen-2) suggests that this variant is likely to be disruptive. In summary, the available evidence is currently insufficient to determine the role of this variant in disease. Therefore, it has been classified as a Variant of Uncertain Significance.

Ambry Genetics
Classification: Uncertain significance. Last evaluated: 2022-06-06. Review status: criteria provided, single submitter. Criteria: Ambry Variant Classification Scheme 2023. Collection method: clinical testing. Allele origin: germline.